The following is an entry in ClinVar:

ClinVar aggregate classification (germline): Uncertain significance (1 of 4 stars; one submission).

Conditions:
Neuropathy, hereditary sensory and autonomic, type 2A (HSAN2A). Also called: WNK1-Related HSAN2 (HSAN2A); ACROOSTEOLYSIS, GIACCAI TYPE; ACROOSTEOLYSIS, NEUROGENIC; MORVAN DISEASE; NEUROPATHY, CONGENITAL SENSORY; NEUROPATHY, HEREDITARY SENSORY RADICULAR, AUTOSOMAL RECESSIVE. Identifiers: Orphanet 970, MedGen C2752089, MONDO:0024309, OMIM 201300.
Pseudohypoaldosteronism type 2C (PHA2C). Also called: Pseudohypoaldosteronism Type IIC. Identifiers: Orphanet 757, Orphanet 88940, MedGen C1840391, MONDO:0013778, OMIM 614492.

Submission:

Labcorp Genetics (formerly Invitae), Labcorp
Classification: Uncertain significance for Neuropathy, hereditary sensory and autonomic, type 2A; Pseudohypoaldosteronism type 2C. Last evaluated: 2025-02-20. Review status: criteria provided, single submitter. Criteria: Invitae Variant Classification Sherloc (09022015). Collection method: clinical testing. Allele origin: germline.
Comment: This sequence change replaces glycine, which is neutral and non-polar, with valine, which is neutral and non-polar, at codon 2394 of the WNK1 protein (p.Gly2394Val). This variant is not present in population databases (gnomAD no frequency). This variant has not been reported in the literature in individuals affected with WNK1-related conditions. Invitae Evidence Modeling of protein sequence and biophysical properties (such as structural, functional, and spatial information, amino acid conservation, physicochemical variation, residue mobility, and thermodynamic stability) indicates that this missense variant is not expected to disrupt WNK1 protein function with a negative predictive value of 95%. In summary, the available evidence is currently insufficient to determine the role of this variant in disease. Therefore, it has been classified as a Variant of Uncertain Significance.

NM_018979.4(WNK1):c.6425G>T (p.Gly2142Val)

Gene: WNK1 (WNK lysine deficient protein kinase 1; plus strand). Cytogenetic location: 12p13.33.
Variant type: single nucleotide variant.
Coding change: c.6425G>T on transcript NM_018979.4 (MANE Select); coding-DNA position 6425, G replaced by T.
Protein change: p.Gly2142Val; replaces glycine 2142 with valine.
Molecular consequence: missense variant.
Genome position (GRCh38, 1-based): chr12:897,658, G>T. VCF-style: chr12-897658-G-T. GRCh37 (hg19) VCF-style: chr12-1006824-G-T.
Other names: c.7205G>T, p.Gly2402Val (NM_001184985.2); c.5681G>T, p.Gly1894Val (NM_014823.3); c.7181G>T, p.Gly2394Val (NM_213655.5); short protein forms G2142V, G1894V, G2394V, G2402V.
Identifiers: ClinVar variation 4789471 (VCV004789471.1).